The following is an entry in ClinVar:

NM_000245.4(MET):c.553C>T (p.Leu185Phe)

Gene: MET (MET proto-oncogene, receptor tyrosine kinase; plus strand). Cytogenetic location: 7q31.2.
Variant type: single nucleotide variant.
Coding change: c.553C>T on transcript NM_000245.4 (MANE Select); coding-DNA position 553, C replaced by T.
Protein change: p.Leu185Phe; replaces leucine 185 with phenylalanine.
Molecular consequence: missense variant. On other transcripts: intron variant (1).
Genome position (GRCh38, 1-based): chr7:116,699,637, C>T. VCF-style: chr7-116699637-C-T. GRCh37 (hg19) VCF-style: chr7-116339691-C-T.
Other names: c.553C>T, p.Leu185Phe (NM_001127500.3, NM_001324401.3); c.-91+27060C>T (NM_001324402.2); short protein forms L185F.
Identifiers: ClinVar variation 4827499 (VCV004827499.1).

ClinVar aggregate classification (germline): Uncertain significance (1 of 4 stars; one submission).

Conditions:
Hereditary cancer-predisposing syndrome. Also called: Neoplastic Syndromes, Hereditary; Tumor predisposition; Hereditary Cancer Syndrome; Hereditary neoplastic syndrome. Identifiers: Orphanet 140162, MedGen C0027672, MeSH D009386, MONDO:0015356.

gnomAD v4.1: 1 of 1,613,976 alleles (0.000062%); highest among the groups gnomAD compares: Non-Finnish European, 0.000085%; no homozygotes.

Submission:

Ambry Genetics
Classification: Uncertain significance for Hereditary cancer-predisposing syndrome. Last evaluated: 2026-03-10. Review status: criteria provided, single submitter. Criteria: Ambry Variant Classification Scheme 2023. Collection method: clinical testing. Allele origin: germline.
Comment: The p.L185F variant (also known as c.553C>T), located in coding exon 1 of the MET gene, results from a C to T substitution at nucleotide position 553. The leucine at codon 185 is replaced by phenylalanine, an amino acid with highly similar properties. This amino acid position is highly conserved in available vertebrate species. In addition, this alteration is predicted to be tolerated by in silico analysis. Based on the available evidence, the clinical significance of this variant remains unclear.